The following is an entry in ClinVar:

ClinVar aggregate classification (germline): Likely benign (1 of 4 stars; one submission).

Conditions:
ANO5-Related Muscle Diseases. Identifiers: MedGen CN180644.

Allele frequency attached by ClinVar (database versions not stated): gnomAD 0.00216 and 0.00204; TOPMed 0.00230; 1000 Genomes Project 30x 0.00312; 1000 Genomes Project 0.00379.

Submission:

Illumina Laboratory Services, Illumina
Classification: Likely benign for ANO5-Related Muscle Diseases. Last evaluated: 2018-01-12. Review status: criteria provided, single submitter. Criteria: ICSL Variant Classification Criteria 13 December 2019. Collection method: clinical testing. Allele origin: germline.
Comment: This variant was observed in the ICSL laboratory as part of a predisposition screen in an ostensibly healthy population. It had not been previously curated by ICSL or reported in the Human Gene Mutation Database (HGMD: prior to June 1st, 2018), and was therefore a candidate for classification through an automated scoring system. Utilizing variant allele frequency, disease prevalence and penetrance estimates, and inheritance mode, an automated score was calculated to assess if this variant is too frequent to cause the disease. Based on the score and internal cut-off values, a variant classified as likely benign is not then subjected to further curation. The score for this variant resulted in a classification of likely benign for this disease.

NM_213599.3(ANO5):c.*1712T>C

Gene: ANO5 (anoctamin 5; plus strand). Cytogenetic location: 11p14.3.
Variant type: single nucleotide variant.
Coding change: c.*1712T>C on transcript NM_213599.3 (MANE Select); 1712 bases downstream of the stop codon, T replaced by C.
Molecular consequence: 3 prime UTR variant.
Genome position (GRCh38, 1-based): chr11:22,281,477, T>C. VCF-style: chr11-22281477-T-C. GRCh37 (hg19) VCF-style: chr11-22303023-T-C.
Other names: c.*1712T>C (NM_001142649.2).
Identifiers: ClinVar variation 304139 (VCV000304139.6), dbSNP rs530413127, ClinGen allele CA10630644.
Genomic context (GRCh38, chr11:22,281,477, plus strand): 5'-ATTTGTCATCCACTGAGTAGACTTTATGAATATTTTGGGTAATTTGAAATGATCTCATTA[T>C]TGAAAGATGATTTCATATGTAGAGAAGATAATATTTCTTTCTTGAAAAAACAAGTCAGGC-3'